The following is an entry in ClinVar:

NM_000093.5(COL5A1):c.5046C>G (p.Phe1682Leu)

Genes: COL5A1 (collagen type V alpha 1 chain; plus strand), LOC101448202 (uncharacterized LOC101448202; minus strand). Cytogenetic location: 9q34.3.
Variant type: single nucleotide variant.
Coding change: c.5046C>G on transcript NM_000093.5 (MANE Select); coding-DNA position 5046, C replaced by G.
Protein change: p.Phe1682Leu; replaces phenylalanine 1682 with leucine.
Molecular consequence: missense variant.
Genome position (GRCh38, 1-based): chr9:134,825,883, C>G. VCF-style: chr9-134825883-C-G. GRCh37 (hg19) VCF-style: chr9-137717729-C-G.
Other names: c.5046C>G, p.Phe1682Leu (NM_001278074.1); short protein forms F1682L.
Identifiers: ClinVar variation 4841620 (VCV004841620.1).

ClinVar aggregate classification (germline): Uncertain significance (1 of 4 stars; one submission).

Conditions:
Familial thoracic aortic aneurysm and aortic dissection (TAAD). Also called: Thoracic aortic aneurysms and dissections. Identifiers: Orphanet 91387, MedGen C4707243, MONDO:0019625.

Submission:

Ambry Genetics
Classification: Uncertain significance for Familial thoracic aortic aneurysm and aortic dissection. Last evaluated: 2025-12-23. Review status: criteria provided, single submitter. Criteria: Ambry Variant Classification Scheme 2023. Collection method: clinical testing. Allele origin: germline.
Comment: The p.F1682L variant (also known as c.5046C>G), located in coding exon 63 of the COL5A1 gene, results from a C to G substitution at nucleotide position 5046. The phenylalanine at codon 1682 is replaced by leucine, an amino acid with highly similar properties. This amino acid position is well conserved in available vertebrate species. In addition, the in silico prediction for this alteration is inconclusive. Based on the available evidence, the clinical significance of this variant remains unclear.